The following is an entry in ClinVar:

NM_005245.4(FAT1):c.1562C>T (p.Thr521Met)

Gene: FAT1 (FAT atypical cadherin 1; minus strand). Cytogenetic location: 4q35.2.
Variant type: single nucleotide variant.
Coding change: c.1562C>T on transcript NM_005245.4 (MANE Select); coding-DNA position 1562, C replaced by T.
Protein change: p.Thr521Met; replaces threonine 521 with methionine.
Molecular consequence: missense variant.
Genome position (GRCh38, 1-based): chr4:186,708,266, G>A on the plus strand (C>T on the coding strand, the complement: FAT1 is on the minus strand). VCF-style: chr4-186708266-G-A. GRCh37 (hg19) VCF-style: chr4-187629420-G-A.
Other names: short protein forms T521M.
Identifiers: ClinVar variation 3358199 (VCV003358199.1).

ClinVar aggregate classification (germline): Uncertain significance (0 of 4 stars; one submission).

Conditions:
FAT1-related disorder. Also called: FAT1-related condition.

gnomAD v4.1: 22 of 1,613,868 alleles (0.0014%); highest among the groups gnomAD compares: African/African-American, 0.0067%; no homozygotes.

Submission:

PreventionGenetics, part of Exact Sciences
Classification: Uncertain significance for FAT1-related condition. Last evaluated: 2024-03-08. Review status: no assertion criteria provided. Collection method: clinical testing. Allele origin: germline.
Comment: The FAT1 c.1562C>T variant is predicted to result in the amino acid substitution p.Thr521Met. To our knowledge, this variant has not been reported in the literature. This variant is reported in 0.0065% of alleles in individuals of African descent in gnomAD. At this time, the clinical significance of this variant is uncertain due to the absence of conclusive functional and genetic evidence.